The following is an entry in ClinVar:

NM_014845.6(FIG4):c.2587G>A (p.Val863Ile)

Gene: FIG4 (FIG4 phosphoinositide 5-phosphatase; plus strand). Cytogenetic location: 6q21.
Variant type: single nucleotide variant.
Coding change: c.2587G>A on transcript NM_014845.6 (MANE Select); coding-DNA position 2587, G replaced by A.
Protein change: p.Val863Ile; replaces valine 863 with isoleucine.
Molecular consequence: missense variant.
Genome position (GRCh38, 1-based): chr6:109,825,128, G>A. VCF-style: chr6-109825128-G-A. GRCh37 (hg19) VCF-style: chr6-110146331-G-A.
Other names: short protein forms V863I.
Identifiers: ClinVar variation 3850378 (VCV003850378.1).
Genomic context (GRCh38, chr6:109,825,128, plus strand): 5'-TCTTTATTCATCTTTTATAGAACACCCATCTCGGCTTTCTCGCAAGATAACATCTATGAA[G>A]TTCAGCCCCCAAGAGTAGACAGAAAATCTACAGAGATCTTCCAAGCCCACATCCAGGCCA-3'
Protein context (NP_055660.1, residues 853-873): SAFSQDNIYE[Val863Ile]QPPRVDRKST

ClinVar aggregate classification (germline): Uncertain significance (1 of 4 stars; one submission).

Conditions:
Inborn genetic diseases. Identifiers: MedGen C0950123, MeSH D030342.

gnomAD v4.1: 2 of 1,613,836 alleles (0.00012%); highest among the groups gnomAD compares: Non-Finnish European, 0.00017%; no homozygotes.

Submission:

Ambry Genetics
Classification: Uncertain significance for Inborn genetic diseases. Last evaluated: 2025-02-23. Review status: criteria provided, single submitter. Criteria: Ambry Variant Classification Scheme 2023. Collection method: clinical testing. Allele origin: germline.
Comment: The p.V863I variant (also known as c.2587G>A), located in coding exon 23 of the FIG4 gene, results from a G to A substitution at nucleotide position 2587. The valine at codon 863 is replaced by isoleucine, an amino acid with highly similar properties. This amino acid position is conserved. In addition, this alteration is predicted to be tolerated by in silico analysis. Based on the available evidence, the clinical significance of this variant remains unclear.